The following is an entry in ClinVar:

ClinVar aggregate classification (germline): Uncertain significance (1 of 4 stars; one submission).

Allele frequency attached by ClinVar (database versions not stated): TOPMed below 0.00001; gnomAD exomes 0.00002.

Submission:

Labcorp Genetics (formerly Invitae), Labcorp
Classification: Uncertain significance. Last evaluated: 2022-03-27. Review status: criteria provided, single submitter. Criteria: Invitae Variant Classification Sherloc (09022015). Collection method: clinical testing. Allele origin: germline.
Comment: This variant has not been reported in the literature in individuals affected with RBP4-related conditions. This sequence change replaces alanine, which is neutral and non-polar, with aspartic acid, which is acidic and polar, at codon 75 of the RBP4 protein (p.Ala75Asp). This variant is not present in population databases (gnomAD no frequency). Algorithms developed to predict the effect of missense changes on protein structure and function are either unavailable or do not agree on the potential impact of this missense change (SIFT: "Deleterious"; PolyPhen-2: "Probably Damaging"; Align-GVGD: "Class C0"). In summary, the available evidence is currently insufficient to determine the role of this variant in disease. Therefore, it has been classified as a Variant of Uncertain Significance.

NM_006744.4(RBP4):c.224C>A (p.Ala75Asp)

Gene: RBP4 (retinol binding protein 4; minus strand). Cytogenetic location: 10q23.33.
Variant type: single nucleotide variant.
Coding change: c.224C>A on transcript NM_006744.4 (MANE Select); coding-DNA position 224, C replaced by A.
Protein change: p.Ala75Asp; replaces alanine 75 with aspartic acid.
Molecular consequence: missense variant.
Genome position (GRCh38, 1-based): chr10:93,600,691, G>T on the plus strand (C>A on the coding strand, the complement: RBP4 is on the minus strand). VCF-style: chr10-93600691-G-T. GRCh37 (hg19) VCF-style: chr10-95360448-G-T.
Other names: c.224C>A, p.Ala75Asp (NM_001323517.1); c.218C>A, p.Ala73Asp (NM_001323518.2); short protein forms A75D, A73D.
Identifiers: ClinVar variation 2113430 (VCV002113430.4), dbSNP rs2058330907, ClinGen allele CA377618015.